The following is an entry in ClinVar:

NM_007294.4(BRCA1):c.5332+13G>A

Gene: BRCA1 (BRCA1 DNA repair associated; minus strand). Cytogenetic location: 17q21.31.
Variant type: single nucleotide variant.
Coding change: c.5332+13G>A on transcript NM_007294.4 (MANE Select); 13 bases into the intron after coding-DNA position 5332, G replaced by A.
Molecular consequence: intron variant.
Genome position (GRCh38, 1-based): chr17:43,051,050, C>T on the plus strand (G>A on the coding strand, the complement: BRCA1 is on the minus strand). VCF-style: chr17-43051050-C-T. GRCh37 (hg19) VCF-style: chr17-41203067-C-T.
Other names: c.2017+13G>A (NM_001408403.1, NM_001408398.1, NM_001408400.1 and 8 more transcripts); c.2020+13G>A (NM_001407983.1, NM_001407992.1, NM_001407981.1 and 12 more transcripts); c.2023+13G>A (NM_001407975.1, NM_001407978.1, NM_001407977.1 and 3 more transcripts); c.2089+13G>A (NM_001407971.1, NM_001407970.1); c.2014+13G>A (NM_001408406.1, NM_001408408.1, NM_001408407.1); c.5326+13G>A (NM_001407641.1, NM_001407629.1, NM_001407636.1 and 14 more transcripts); c.5329+13G>A (NM_001407624.1, NM_001407858.1, NM_001407616.1 and 17 more transcripts); c.5395+13G>A (NM_007300.4, NM_001407583.1, NM_001407587.1 and 1 more transcripts); and 74 more.
Identifiers: ClinVar variation 868319 (VCV000868319.3), dbSNP rs372391060, ClinGen allele CA916081002.
Genomic context (GRCh38, chr17:43,051,050, plus strand): 5'-ATCTTGCTTATAATACTCCACTATGTAAGACAAAGGCTGGTGCTGGAACTCTGGGGTTCT[C>T]CCAGGCTCTTACCTGTGGGCATGTTGGTGAAGGGCCCATAGCAACAGATTTCTAGCCCCC-3'

Conditions:
Breast-ovarian cancer, familial, susceptibility to, 1 (BROVCA1). Also called: BRCA1 Hereditary Breast and Ovarian Cancer; OVARIAN CANCER, SUSCEPTIBILITY TO. Identifiers: Orphanet 145, MedGen C2676676, MONDO:0011450, OMIM 604370. Disease mechanism: loss of function.

Submission:

Brotman Baty Institute, University of Washington
No classification provided (evidence only). Condition: Breast-ovarian cancer, familial 1. Review status: no classification provided. Collection method: in vitro. Allele origin: not applicable. Functional consequence: functionally_normal.
ClinVar note: "not provided" was previously submitted as the classification for the variant. However, the classification appeared to be based only on an observation of functional data so it was converted to no classification on 2025-07-30.